The following is an entry in ClinVar:

NM_005060.4(RORC):c.1045C>A (p.Gln349Lys)

Gene: RORC (RAR related orphan receptor C; minus strand). Cytogenetic location: 1q21.3.
Variant type: single nucleotide variant.
Coding change: c.1045C>A on transcript NM_005060.4 (MANE Select); coding-DNA position 1045, C replaced by A.
Protein change: p.Gln349Lys; replaces glutamine 349 with lysine.
Molecular consequence: missense variant.
Genome position (GRCh38, 1-based): chr1:151,813,509, G>T on the plus strand (C>A on the coding strand, the complement: RORC is on the minus strand). VCF-style: chr1-151813509-G-T. GRCh37 (hg19) VCF-style: chr1-151785985-G-T.
Other names: c.982C>A, p.Gln328Lys (NM_001001523.2); short protein forms Q349K, Q328K.
Identifiers: ClinVar variation 1939057 (VCV001939057.5), dbSNP rs1286278056, ClinGen allele CA342012638.

ClinVar aggregate classification (germline): Uncertain significance (1 of 4 stars; one submission).

Conditions:
Autosomal recessive mendelian susceptibility to mycobacterial diseases due to complete RORgamma receptor deficiency. Also called: Immunodeficiency 42. Identifiers: Orphanet 477857, MedGen C5567647, MONDO:0014710, OMIM 616622.

Allele frequency attached by ClinVar (database versions not stated): TOPMed below 0.00001; gnomAD 0.00001.
gnomAD v4.1: 1 of 1,614,028 alleles (0.000062%); highest among the groups gnomAD compares: Non-Finnish European, 0.000085%; no homozygotes.

Submission:

Labcorp Genetics (formerly Invitae), Labcorp
Classification: Uncertain significance for Autosomal recessive mendelian susceptibility to mycobacterial diseases due to complete RORgamma receptor deficiency. Last evaluated: 2022-04-13. Review status: criteria provided, single submitter. Criteria: Invitae Variant Classification Sherloc (09022015). Collection method: clinical testing. Allele origin: germline.
Comment: This variant is not present in population databases (gnomAD no frequency). This sequence change replaces glutamine, which is neutral and polar, with lysine, which is basic and polar, at codon 349 of the RORC protein (p.Gln349Lys). This variant has not been reported in the literature in individuals affected with RORC-related conditions. In summary, the available evidence is currently insufficient to determine the role of this variant in disease. Therefore, it has been classified as a Variant of Uncertain Significance. Algorithms developed to predict the effect of missense changes on protein structure and function (SIFT, PolyPhen-2, Align-GVGD) all suggest that this variant is likely to be disruptive.